The following is an entry in ClinVar:

ClinVar aggregate classification (germline): Likely benign (1 of 4 stars; one submission).

Conditions:
Spinocerebellar ataxia type 27 (SCA27). Identifiers: Orphanet 98764, MedGen C1836383, MONDO:0012247.

Allele frequency attached by ClinVar (database versions not stated): TOPMed 0.00178; gnomAD 0.00247 and 0.00250; 1000 Genomes Project 0.00260; 1000 Genomes Project 30x 0.00297.

Submission:

Illumina Laboratory Services, Illumina
Classification: Likely benign for Spinocerebellar ataxia 27A. Last evaluated: 2018-01-12. Review status: criteria provided, single submitter. Criteria: ICSL Variant Classification Criteria 13 December 2019. Collection method: clinical testing. Allele origin: germline.
Comment: This variant was observed in the ICSL laboratory as part of a predisposition screen in an ostensibly healthy population. It had not been previously curated by ICSL or reported in the Human Gene Mutation Database (HGMD: prior to June 1st, 2018), and was therefore a candidate for classification through an automated scoring system. Utilizing variant allele frequency, disease prevalence and penetrance estimates, and inheritance mode, an automated score was calculated to assess if this variant is too frequent to cause the disease. Based on the score and internal cut-off values, a variant classified as likely benign is not then subjected to further curation. The score for this variant resulted in a classification of likely benign for this disease.

NM_004115.4(FGF14):c.*1118G>A

Gene: FGF14 (fibroblast growth factor 14; minus strand). Cytogenetic location: 13q33.1.
Variant type: single nucleotide variant.
Coding change: c.*1118G>A on transcript NM_004115.4 (MANE Select); 1118 bases downstream of the stop codon, G replaced by A.
Molecular consequence: 3 prime UTR variant.
Genome position (GRCh38, 1-based): chr13:101,721,713, C>T on the plus strand (G>A on the coding strand, the complement: FGF14 is on the minus strand). VCF-style: chr13-101721713-C-T. GRCh37 (hg19) VCF-style: chr13-102374063-C-T.
Other names: c.*1118G>A (NM_001321931.1, NM_001321932.1, NM_001321933.1 and 17 more transcripts).
Identifiers: ClinVar variation 310870 (VCV000310870.5), dbSNP rs147404825, ClinGen allele CA10638868.